The following is an entry in ClinVar:

NM_000057.4(BLM):c.3608C>T (p.Ala1203Val)

Gene: BLM (BLM RecQ like helicase; plus strand). Cytogenetic location: 15q26.1.
Variant type: single nucleotide variant.
Coding change: c.3608C>T on transcript NM_000057.4 (MANE Select); coding-DNA position 3608, C replaced by T.
Protein change: p.Ala1203Val; replaces alanine 1203 with valine.
Molecular consequence: missense variant. On other transcripts: intron variant (1).
Genome position (GRCh38, 1-based): chr15:90,804,216, C>T. VCF-style: chr15-90804216-C-T. GRCh37 (hg19) VCF-style: chr15-91347446-C-T.
Other names: c.3608C>T (LRG_20t1); c.3608C>T, p.Ala1203Val (NM_001287246.2); c.2483C>T, p.Ala828Val (NM_001287248.2); c.3359-4921C>T (NM_001287247.2); short protein forms A1203V, A828V.
Identifiers: ClinVar variation 485332 (VCV000485332.20), dbSNP rs757088548, ClinGen allele CA7739083.
Genomic context (GRCh38, chr15:90,804,216, plus strand): 5'-CTCTCATAAAGGTAGACTTTATGGAAACAGAAAATTCCAGCAGTGTGAAAAAACAAAAAG[C>T]GTTAGTAGCAAAAGTGTCTCAGAGGGAAGAGATGGTTAAAAAATGTCTTGGAGAACTTAC-3'
Protein context (NP_000048.1, residues 1193-1213): ENSSSVKKQK[Ala1203Val]LVAKVSQREE

ClinVar aggregate classification (germline): Uncertain significance. Review status: criteria provided, multiple submitters, no conflicts (2 of 4 stars). 5 submissions from 5 submitters: Uncertain significance (4). 1 of the submissions does not count toward it. Last evaluated 2026-05-18.

Conditions:
Bloom syndrome (BLM). Also called: Bloom-Torre-Machacek syndrome. Identifiers: Orphanet 125, MedGen C0005859, MONDO:0008876, OMIM 210900.
Hereditary cancer. Identifiers: MedGen C1333600.
Hereditary cancer-predisposing syndrome. Also called: Tumor predisposition; Hereditary Cancer Syndrome; Neoplastic Syndromes, Hereditary; Hereditary neoplastic syndrome. Identifiers: Orphanet 140162, MedGen C0027672, MeSH D009386, MONDO:0015356.

Allele frequency attached by ClinVar (database versions not stated): TOPMed 0.00001; gnomAD exomes 0.00002; ExAC 0.00002; gnomAD 0.00001.
gnomAD v4.1: 31 of 1,613,878 alleles (0.0019%); highest among the groups gnomAD compares: South Asian, 0.0033%; no homozygotes.

Submissions (5):

Women's Health and Genetics/Laboratory Corporation of America, LabCorp
Classification: Uncertain significance. Last evaluated: 2026-05-18. Review status: criteria provided, single submitter. Criteria: LabCorp Variant Classification Summary - May 2015. Collection method: clinical testing. Allele origin: germline.

Labcorp Genetics (formerly Invitae), Labcorp
Classification: Uncertain significance for Bloom syndrome. Last evaluated: 2025-09-15. Review status: criteria provided, single submitter. Criteria: Invitae Variant Classification Sherloc (09022015). Collection method: clinical testing. Allele origin: germline.
Comment: This sequence change replaces alanine, which is neutral and non-polar, with valine, which is neutral and non-polar, at codon 1203 of the BLM protein (p.Ala1203Val). This variant is present in population databases (rs757088548, gnomAD 0.006%). This variant has not been reported in the literature in individuals affected with BLM-related conditions. ClinVar contains an entry for this variant (Variation ID: 485332). Invitae Evidence Modeling of protein sequence and biophysical properties (such as structural, functional, and spatial information, amino acid conservation, physicochemical variation, residue mobility, and thermodynamic stability) indicates that this missense variant is not expected to disrupt BLM protein function with a negative predictive value of 80%. In summary, the available evidence is currently insufficient to determine the role of this variant in disease. Therefore, it has been classified as a Variant of Uncertain Significance.

Mendelics
Classification: Uncertain significance for Hereditary cancer. Last evaluated: 2024-08-12. Review status: criteria provided, single submitter. Criteria: ACMG Guidelines, 2015. Collection method: clinical testing. Allele origin: unknown.

Ambry Genetics
Classification: Uncertain significance for Hereditary cancer-predisposing syndrome. Last evaluated: 2024-04-12. Review status: criteria provided, single submitter. Criteria: Ambry Variant Classification Scheme 2023. Collection method: clinical testing. Allele origin: germline.
Comment: The p.A1203V variant (also known as c.3608C>T), located in coding exon 18 of the BLM gene, results from a C to T substitution at nucleotide position 3608. The alanine at codon 1203 is replaced by valine, an amino acid with similar properties. This amino acid position is highly conserved in available vertebrate species. In addition, this alteration is predicted to be tolerated by in silico analysis. Since supporting evidence is limited at this time, the clinical significance of this alteration remains unclear.

Natera, Inc.
Classification: Uncertain significance for Bloom syndrome. Last evaluated: 2019-02-11. Review status: no assertion criteria provided. Collection method: clinical testing. Allele origin: germline. Not counted in ClinVar's aggregate classification.